The following is an entry in ClinVar:

NM_001709.5(BDNF):c.-21-15659_-21-15656dup

Genes: BDNF (brain derived neurotrophic factor; minus strand), BDNF-AS (BDNF antisense RNA; plus strand). Cytogenetic location: 11p14.1.
Variant type: Duplication.
Coding change: c.-21-15659_-21-15656dup on transcript NM_001709.5 (MANE Select); 15659 bases into the intron before 21 bases upstream of the start codon through 15656 bases into the intron before 21 bases upstream of the start codon, 4 bases duplicated (TAAT; older notation c.-21-15659_-21-15656dupTAAT).
Molecular consequence: intron variant. On other transcripts: frameshift variant (1), 5 prime UTR variant (1).
Genome position (GRCh38, 1-based): chr11:27,674,241-27,674,244, ATTA duplicated on the plus strand (TAAT on the coding strand, the reverse complement: BDNF is on the minus strand); duplicating any 4 consecutive bases within chr11:27,674,241-27,674,245 gives the same sequence; the c. name uses the placement nearest the transcript's 3' end. VCF-style (leftmost placement, unchanged base first): chr11-27674240-G-GATTA. GRCh37 (hg19) VCF-style: chr11-27695787-G-GATTA.
Other names: c.41_44dup, p.Leu16fs (NM_001143810.2); c.-323_-320dup (NM_001143811.2); c.4-15659_4-15656dup (NM_170731.5); c.-21-15659_-21-15656dup (NM_001143805.1, NM_001143806.1, NM_170732.4 and 5 more transcripts); c.67-15659_67-15656dup (NM_001143809.2); c.-128-15318_-128-15315dup (NM_001143814.2); c.25-15659_25-15656dup (NM_170734.4); short protein forms L16fs.
Identifiers: ClinVar variation 2634288 (VCV002634288.2), dbSNP rs747002774, ClinGen allele CA5929203.

ClinVar aggregate classification (germline): Uncertain significance (0 of 4 stars; one submission).

Conditions:
BDNF-related disorder. Also called: BDNF-related condition.

Submission:

PreventionGenetics, part of Exact Sciences
Classification: Uncertain significance for BDNF-related condition. Last evaluated: 2024-05-08. Review status: no assertion criteria provided. Collection method: clinical testing. Allele origin: germline.
Comment: The BDNF c.41_44dupTAAT variant is predicted to result in a frameshift and premature protein termination (p.Leu16Asnfs*9). This variant is located in an alternate transcript with uncertain biological significance. In the primary transcript, this alteration is located in the pre-coding region. To our knowledge, this variant has not been reported in the literature. This variant is reported in 0.0056% of alleles in individuals of European (Non-Finnish) descent in gnomAD. Although larger deletions of BDNF have been reported in many affected individuals, smaller early termination changes (as seen in this patient) are not a well-documented mechanism of disease. At this time, the clinical significance of this variant is uncertain due to the absence of conclusive functional and genetic evidence.